The following is an entry in ClinVar:

NM_032444.4(SLX4):c.3934A>G (p.Arg1312Gly)

Gene: SLX4 (SLX4 structure-specific endonuclease subunit; minus strand). Cytogenetic location: 16p13.3.
Variant type: single nucleotide variant.
Coding change: c.3934A>G on transcript NM_032444.4 (MANE Select); coding-DNA position 3934, A replaced by G.
Protein change: p.Arg1312Gly; replaces arginine 1312 with glycine.
Molecular consequence: missense variant.
Genome position (GRCh38, 1-based): chr16:3,589,704, T>C on the plus strand (A>G on the coding strand, the complement: SLX4 is on the minus strand). VCF-style: chr16-3589704-T-C. GRCh37 (hg19) VCF-style: chr16-3639705-T-C.
Other names: short protein forms R1312G.
Identifiers: ClinVar variation 2021686 (VCV002021686.1), dbSNP rs200008765, ClinGen allele CA7865784.

ClinVar aggregate classification (germline): Uncertain significance (1 of 4 stars; one submission).

Conditions:
Fanconi anemia (FA). Also called: Fanconi's anemia. Identifiers: Orphanet 84, MedGen C0015625, MeSH D005199, MONDO:0019391.

Allele frequency attached by ClinVar (database versions not stated): gnomAD 0.00001; TOPMed 0.00001; ExAC 0.00002; gnomAD exomes 0.00005.
gnomAD v4.1: 71 of 1,613,858 alleles (0.0044%); highest among the groups gnomAD compares: Non-Finnish European, 0.0058%; no homozygotes.

Submission:

Labcorp Genetics (formerly Invitae), Labcorp
Classification: Uncertain significance for Fanconi anemia. Last evaluated: 2021-12-24. Review status: criteria provided, single submitter. Criteria: Invitae Variant Classification Sherloc (09022015). Collection method: clinical testing. Allele origin: germline.
Comment: This sequence change replaces arginine, which is basic and polar, with glycine, which is neutral and non-polar, at codon 1312 of the SLX4 protein (p.Arg1312Gly). This variant is present in population databases (rs200008765, gnomAD 0.002%). This variant has not been reported in the literature in individuals affected with SLX4-related conditions. Algorithms developed to predict the effect of missense changes on protein structure and function (SIFT, PolyPhen-2, Align-GVGD) all suggest that this variant is likely to be tolerated. In summary, the available evidence is currently insufficient to determine the role of this variant in disease. Therefore, it has been classified as a Variant of Uncertain Significance.